The following is an entry in ClinVar:

ClinVar aggregate classification (germline): Pathogenic (1 of 4 stars; one submission).

Conditions:
Developmental and epileptic encephalopathy, 28 (DEE28). Also called: Epileptic encephalopathy, early infantile, 28. Identifiers: Orphanet 442835, MedGen C4015519, MONDO:0014533, OMIM 616211.

Submission:

Victorian Clinical Genetics Services, Murdoch Childrens Research Institute
Classification: Pathogenic for Developmental and epileptic encephalopathy, 28. Last evaluated: 2021-05-06. Review status: criteria provided, single submitter. Criteria: ACMG Guidelines, 2015. Collection method: clinical testing. Allele origin: germline. Inheritance: Autosomal recessive inheritance.
Comment: Based on the classification scheme VCGS_Germline_v1.3.4, this variant is classified as Pathogenic. Following criteria are met: 0102 - Loss of function is a known mechanism of disease in this gene and is associated with developmental and epileptic encephalopathy 28 (MIM#616211) and spinocerebellar ataxia 12 (SCA) (MIM#614322). Only missense variants with residual protein activity have been reported for SCA (PMID: 30356099, PMID: 29808465). (I) 0106 - This gene is associated with autosomal recessive disease. (I) 0208 - Variant is predicted to result in an elongated protein. (SP) 0251 - This variant is heterozygous. (I) 0304 - Variant is present in gnomAD (v2) <0.01 for a recessive condition (1 heterozygote, 0 homozygote). (SP) 0600 - Variant results in the alteration of NAD(P) binding site and C-terminal of the WWOX_like_SDR_c-like domain (NCBI). (I) 0702 - Other protein elongation variants comparable to the one identified in this case have strong previous evidence for pathogenicity. These variants (p.(Cys380Leufs*149), p.(Val365Alafs*163), p.(Ala356Serfs*173)) have been reported in three unrelated individuals with WWOX-related epileptic encephalopathy (WOREE syndrome) (PMID: 30356099, PMID: 32037574). (SP) 0807 - This variant has no previous evidence of pathogenicity. (I) 0905 - No published segregation evidence has been identified for this variant. (I) 1007 - No published functional evidence has been identified for this variant. (I) 1201 - Heterozygous variant detected in trans with a second pathogenic heterozygous variant (c.606-1779_792-2745del) in a recessive disease. (I) Legend: (SP) - Supporting pathogenic, (I) - Information, (SB) - Supporting benign

Literature cited by the submitters: PubMed 29808465; PubMed 30356099; PubMed 32037574.

NM_016373.4(WWOX):c.982_998del (p.Tyr328fs)

Gene: WWOX (WW domain containing oxidoreductase; plus strand). Cytogenetic location: 16q23.1.
Variant type: Deletion.
Coding change: c.982_998del on transcript NM_016373.4 (MANE Select); coding-DNA positions 982 to 998, 17 bases deleted (TACTCCAACATTCATCG).
Protein change: p.Tyr328fs; shifts the reading frame from tyrosine 328.
Molecular consequence: frameshift variant.
Genome position (GRCh38, 1-based): chr16:78,432,678-78,432,694, TACTCCAACATTCATCG deleted; deleting any 17 consecutive bases within chr16:78,432,677-78,432,694 gives the same sequence; the c. name uses the placement nearest the transcript's 3' end. VCF-style (leftmost placement, unchanged base first): chr16-78432676-TGTACTCCAACATTCATC-T. GRCh37 (hg19) VCF-style: chr16-78466573-TGTACTCCAACATTCATC-T.
Other names: c.643_659del, p.Tyr215fs (NM_001291997.2); short protein forms Y215fs, Y328fs.
Identifiers: ClinVar variation 2500714 (VCV002500714.2), dbSNP rs765544833, ClinGen allele CA8183589.
Genomic context (GRCh38, chr16:78,432,676, plus strand): 5'-TGCACCGTCGCCTCTCCCCACGCGGGGTCACGTCGAACGCAGTGCATCCTGGAAATATGA[TGTACTCCAACATTCATC>T]GCAGCTGGTGGGTGTACACACTGCTGTTTACCTTGGCGAGGCCTTTCACCAAGTCCATGG-3'